The following is an entry in ClinVar:

NM_024598.4(USB1):c.592C>G (p.Leu198Val)

Gene: USB1 (U6 snRNA biogenesis phosphodiesterase 1; plus strand). Cytogenetic location: 16q21.
Variant type: single nucleotide variant.
Coding change: c.592C>G on transcript NM_024598.4 (MANE Select); coding-DNA position 592, C replaced by G.
Protein change: p.Leu198Val; replaces leucine 198 with valine.
Molecular consequence: missense variant.
Genome position (GRCh38, 1-based): chr16:58,017,422, C>G. VCF-style: chr16-58017422-C-G. GRCh37 (hg19) VCF-style: chr16-58051326-C-G.
Other names: c.538C>G, p.Leu180Val (NM_001195302.2); c.439C>G, p.Leu147Val (NM_001330568.2); short protein forms L147V, L180V, L198V.
Identifiers: ClinVar variation 3466465 (VCV003466465.1).

ClinVar aggregate classification (germline): Uncertain significance (1 of 4 stars; one submission).

Conditions:
Inborn genetic diseases. Identifiers: MedGen C0950123, MeSH D030342.

Submission:

Ambry Genetics
Classification: Uncertain significance for Inborn genetic diseases. Last evaluated: 2024-11-21. Review status: criteria provided, single submitter. Criteria: Ambry Variant Classification Scheme 2023. Collection method: clinical testing. Allele origin: germline.
Comment: The p.L198V variant (also known as c.592C>G), located in coding exon 5 of the USB1 gene, results from a C to G substitution at nucleotide position 592. The leucine at codon 198 is replaced by valine, an amino acid with highly similar properties. This amino acid position is conserved. In addition, the in silico prediction for this alteration is inconclusive. Based on the available evidence, the clinical significance of this variant remains unclear.